The following is an entry in ClinVar:

NM_177438.3(DICER1):c.196A>G (p.Thr66Ala)

Gene: DICER1 (dicer 1, ribonuclease III; minus strand). Cytogenetic location: 14q32.13.
Variant type: single nucleotide variant.
Coding change: c.196A>G on transcript NM_177438.3 (MANE Select); coding-DNA position 196, A replaced by G.
Protein change: p.Thr66Ala; replaces threonine 66 with alanine.
Molecular consequence: missense variant.
Genome position (GRCh38, 1-based): chr14:95,132,626, T>C on the plus strand (A>G on the coding strand, the complement: DICER1 is on the minus strand). VCF-style: chr14-95132626-T-C. GRCh37 (hg19) VCF-style: chr14-95598963-T-C.
Other names: c.196A>G, p.Thr66Ala (NM_001195573.1, NM_001271282.3, NM_001291628.2 and 1 more transcripts); short protein forms T66A.
Identifiers: ClinVar variation 543652 (VCV000543652.12), dbSNP rs1555376402, ClinGen allele CA390890014.
Genomic context (GRCh38, chr14:95,132,626, plus strand): 5'-TGATCTGATAGGACAGCTCTTTAGTGAGTAGTACTGCAATAAATGTCTTCCCTGAGCCAG[T>C]GTTTAAACAGACGATGGTATTATGATCCAGAGCTGCTTCAAGCAGTTCAACCTAGAAACA-3'
Protein context (NP_803187.1, residues 56-76): LDHNTIVCLN[Thr66Ala]GSGKTFIAVL

ClinVar aggregate classification (germline): Uncertain significance. Review status: criteria provided, multiple submitters, no conflicts (2 of 4 stars). 2 submissions from 2 submitters: Uncertain significance (2). Last evaluated 2024-08-01.

Conditions:
Hereditary cancer-predisposing syndrome. Also called: Neoplastic Syndromes, Hereditary; Tumor predisposition; Hereditary Cancer Syndrome; Hereditary neoplastic syndrome. Identifiers: Orphanet 140162, MedGen C0027672, MeSH D009386, MONDO:0015356.
DICER1-related tumor predisposition. Also called: DICER1-related pleuropulmonary blastoma cancer predisposition syndrome; DICER1 syndrome. Identifiers: Orphanet 284343, MedGen C3839822, MONDO:0100216.

Submissions (2):

Ambry Genetics
Classification: Uncertain significance for Hereditary cancer-predisposing syndrome. Last evaluated: 2024-08-01. Review status: criteria provided, single submitter. Criteria: Ambry Variant Classification Scheme 2023. Collection method: clinical testing. Allele origin: germline.
Comment: The p.T66A variant (also known as c.196A>G), located in coding exon 2 of the DICER1 gene, results from an A to G substitution at nucleotide position 196. The threonine at codon 66 is replaced by alanine, an amino acid with similar properties. This amino acid position is highly conserved in available vertebrate species. In addition, this alteration is predicted to be deleterious by in silico analysis. Based on the available evidence, the clinical significance of this variant remains unclear.

Labcorp Genetics (formerly Invitae), Labcorp
Classification: Uncertain significance for DICER1-related tumor predisposition. Last evaluated: 2021-12-26. Review status: criteria provided, single submitter. Criteria: Invitae Variant Classification Sherloc (09022015). Collection method: clinical testing. Allele origin: germline.
Comment: This sequence change replaces threonine, which is neutral and polar, with alanine, which is neutral and non-polar, at codon 66 of the DICER1 protein (p.Thr66Ala). This variant is not present in population databases (gnomAD no frequency). This variant has not been reported in the literature in individuals affected with DICER1-related conditions. ClinVar contains an entry for this variant (Variation ID: 543652). Algorithms developed to predict the effect of missense changes on protein structure and function (SIFT, PolyPhen-2, Align-GVGD) all suggest that this variant is likely to be tolerated. In summary, the available evidence is currently insufficient to determine the role of this variant in disease. Therefore, it has been classified as a Variant of Uncertain Significance.